The following is an entry in ClinVar:

ClinVar aggregate classification (germline): Uncertain significance (1 of 4 stars; one submission).

Conditions:
Cardiovascular phenotype. Identifiers: MedGen CN230736.

Submission:

Ambry Genetics
Classification: Uncertain significance for Cardiovascular phenotype. Last evaluated: 2024-11-22. Review status: criteria provided, single submitter. Criteria: Ambry Variant Classification Scheme 2023. Collection method: clinical testing. Allele origin: germline.
Comment: The p.D243N variant (also known as c.727G>A), located in coding exon 7 of the SPRED1 gene, results from a G to A substitution at nucleotide position 727. The aspartic acid at codon 243 is replaced by asparagine, an amino acid with highly similar properties. This amino acid position is conserved. In addition, this alteration is predicted to be tolerated by in silico analysis. Based on the available evidence, the clinical significance of this variant remains unclear.

NM_152594.3(SPRED1):c.727G>A (p.Asp243Asn)

Gene: SPRED1 (sprouty related EVH1 domain containing 1; plus strand). Cytogenetic location: 15q14.
Variant type: single nucleotide variant.
Coding change: c.727G>A on transcript NM_152594.3 (MANE Select); coding-DNA position 727, G replaced by A.
Protein change: p.Asp243Asn; replaces aspartic acid 243 with asparagine.
Molecular consequence: missense variant.
Genome position (GRCh38, 1-based): chr15:38,351,056, G>A. VCF-style: chr15-38351056-G-A. GRCh37 (hg19) VCF-style: chr15-38643257-G-A.
Other names: short protein forms D243N.
Identifiers: ClinVar variation 3448790 (VCV003448790.1).